The following is an entry in ClinVar:

NM_001376571.1(MADD):c.4614C>T (p.Pro1538=)

Gene: MADD (MAP kinase activating death domain; plus strand). Cytogenetic location: 11p11.2.
Variant type: single nucleotide variant.
Coding change: c.4614C>T on transcript NM_001376571.1 (MANE Select); coding-DNA position 4614, C replaced by T.
Protein change: p.Pro1538=; no amino-acid change (proline 1538 retained).
Molecular consequence: synonymous variant. On other transcripts: non-coding transcript variant (8).
Genome position (GRCh38, 1-based): chr11:47,324,336, C>T. VCF-style: chr11-47324336-C-T. GRCh37 (hg19) VCF-style: chr11-47345887-C-T.
Other names: c.4305C>T, p.Pro1435= (NM_001135943.2); c.4296C>T, p.Pro1432= (NM_001135944.2, NM_001376618.1, NM_001376619.1 and 2 more transcripts); c.4602C>T, p.Pro1534= (NM_001376572.1, NM_001376573.1, NM_001376599.1 and 2 more transcripts); c.4560C>T, p.Pro1520= (NM_001376574.1, NM_001376605.1); c.4554C>T, p.Pro1518= (NM_001376575.1); c.4542C>T, p.Pro1514= (NM_001376576.1, NM_001376577.1, NM_001376610.1); c.4515C>T, p.Pro1505= (NM_001376578.1); c.4488C>T, p.Pro1496= (NM_001376579.1, NM_001376580.1, NM_001376622.1 and 1 more transcripts); and 43 more.
Identifiers: ClinVar variation 4873778 (VCV004873778.2).

ClinVar aggregate classification (germline): Likely benign (1 of 4 stars; one submission).

gnomAD v4.1: 56 of 1,614,136 alleles (0.0035%); highest among the groups gnomAD compares: Middle Eastern, 0.099%; no homozygotes.

Submission:

CeGaT Center for Human Genetics Tuebingen
Classification: Likely benign. Last evaluated: 2026-06-01. Review status: criteria provided, single submitter. Criteria: CeGaT Center For Human Genetics Tuebingen Variant Classification Criteria Version 2. Collection method: clinical testing. Allele origin: germline. Affected: yes. Observed: 1 variant allele.
Comment: MADD: BP4, BP7